The following is an entry in ClinVar:

ClinVar aggregate classification (germline): Conflicting classifications of pathogenicity. Review status: criteria provided, conflicting classifications (1 of 4 stars). 3 submissions from 3 submitters: Uncertain significance (2); Likely benign (1). Last evaluated 2024-05-05.

Conditions:
Hereditary cancer-predisposing syndrome. Also called: Neoplastic Syndromes, Hereditary; Tumor predisposition; Hereditary Cancer Syndrome; Hereditary neoplastic syndrome. Identifiers: Orphanet 140162, MedGen C0027672, MeSH D009386, MONDO:0015356.
Hereditary breast ovarian cancer syndrome. Also called: Breast and ovarian cancer; Hereditary breast and ovarian cancer; Hereditary breast and/or ovarian cancer syndrome; BRCA1- and BRCA2-Associated Hereditary Breast and Ovarian Cancer; Hereditary breast and ovarian cancer syndrome; Hereditary breast and ovarian cancer syndrome (HBOC). Identifiers: Orphanet 145, MedGen C0677776, MeSH D061325, MONDO:0003582. Disease mechanism: loss of function.

Submissions (3):

Labcorp Genetics (formerly Invitae), Labcorp
Classification: Uncertain significance for Hereditary breast ovarian cancer syndrome. Last evaluated: 2024-05-05. Review status: criteria provided, single submitter. Criteria: Invitae Variant Classification Sherloc (09022015). Collection method: clinical testing. Allele origin: germline.
Comment: This sequence change replaces tyrosine, which is neutral and polar, with cysteine, which is neutral and slightly polar, at codon 2884 of the BRCA2 protein (p.Tyr2884Cys). This variant is not present in population databases (gnomAD no frequency). This missense change has been observed in individual(s) with a personal/family history of breast cancer or ovarian cancer (PMID: 28111427). ClinVar contains an entry for this variant (Variation ID: 141100). Advanced modeling of protein sequence and biophysical properties (such as structural, functional, and spatial information, amino acid conservation, physicochemical variation, residue mobility, and thermodynamic stability) performed at Invitae indicates that this missense variant is not expected to disrupt BRCA2 protein function with a negative predictive value of 95%. In summary, the available evidence is currently insufficient to determine the role of this variant in disease. Therefore, it has been classified as a Variant of Uncertain Significance.

Ambry Genetics
Classification: Likely benign for Hereditary cancer-predisposing syndrome. Last evaluated: 2017-07-20. Review status: criteria provided, single submitter. Criteria: Ambry Variant Classification Scheme 2023. Collection method: clinical testing. Allele origin: germline.

GeneDx
Classification: Uncertain significance. Last evaluated: 2015-06-08. Review status: criteria provided, single submitter. Criteria: GeneDx Variant Classification (06012015). Collection method: clinical testing. Allele origin: germline. Affected: yes.
Comment: This variant is denoted BRCA2 c.8651A>G at the cDNA level, p.Tyr2884Cys (Y2884C) at the protein level, and results in the change of a Tyrosine to a Cysteine (TAT>TGT). Using alternate nomenclature, this variant would be defined as BRCA2 8879A>G. This variant has not, to our knowledge, been published in the literature as pathogenic or benign. BRCA2 Tyr2884Cys was not observed in approximately 6,500 individuals of European and African American ancestry in the NHLBI Exome Sequencing Project, indicating it is not a common benign variant in these populations. Since Tyrosine and Cysteine differ in polarity, charge, size or other properties, this is considered a non-conservative amino acid substitution. BRCA2 Tyr2884Cys occurs at a position that is not conserved and is located in the DNA binding domain (Borg 2010). In silico analyses predict that this variant is unlikely to alter protein structure or function. Based on currently available information, it is unclear whether BRCA2 Tyr2884Cys is pathogenic or benign. We consider it to be a variant of uncertain significance.

Literature cited by the submitters: PubMed 28111427 (cited by Labcorp Genetics (formerly Invitae), Labcorp).

NM_000059.4(BRCA2):c.8651A>G (p.Tyr2884Cys)

Gene: BRCA2 (BRCA2 DNA repair associated; plus strand). Cytogenetic location: 13q13.1.
Variant type: single nucleotide variant.
Coding change: c.8651A>G on transcript NM_000059.4 (MANE Select); coding-DNA position 8651, A replaced by G.
Protein change: p.Tyr2884Cys; replaces tyrosine 2884 with cysteine.
Molecular consequence: missense variant.
Genome position (GRCh38, 1-based): chr13:32,376,688, A>G. VCF-style: chr13-32376688-A-G. GRCh37 (hg19) VCF-style: chr13-32950825-A-G.
Other names: short protein forms Y2884C.
Identifiers: ClinVar variation 141100 (VCV000141100.14), dbSNP rs587781494, ClinGen allele CA025762.
Genomic context (GRCh38, chr13:32,376,688, plus strand): 5'-AATTTACAGTTTAGTGAATTAATAATCCTTTTGTTTTCTTAGAAAACACAACAAAACCAT[A>G]TTTACCATCACGTGCACTAACAAGACAGCAAGTTCGTGCTTTGCAAGATGGTGCAGAGCT-3'
Protein context (NP_000050.3, residues 2874-2894): EEHEENTTKP[Tyr2884Cys]LPSRALTRQQ